The following is an entry in ClinVar:

NM_005859.5(PURA):c.159del (p.Leu54fs)

Gene: PURA (purine rich element binding protein A; plus strand). Cytogenetic location: 5q31.3.
Variant type: Deletion.
Coding change: c.159del on transcript NM_005859.5 (MANE Select); coding-DNA position 159, one base deleted (G; older notation c.159delG).
Protein change: p.Leu54fs; shifts the reading frame from leucine 54.
Molecular consequence: frameshift variant.
Genome position (GRCh38, 1-based): chr5:140,114,340, G deleted; the last of 6 consecutive G bases (chr5:140,114,335-140,114,340); deleting any one gives the same sequence. VCF-style (leftmost placement, unchanged base first): chr5-140114334-AG-A. GRCh37 (hg19) VCF-style: chr5-139493919-AG-A.
Other names: short protein forms L54fs.
Identifiers: ClinVar variation 2664962 (VCV002664962.4), dbSNP rs1554129040, ClinGen allele CA645548774.

ClinVar aggregate classification (germline): Pathogenic. Review status: criteria provided, multiple submitters, no conflicts (2 of 4 stars). 3 submissions from 3 submitters: Pathogenic (3). Last evaluated 2025-01-09.

Conditions:
PURA-related disorder. Also called: PURA-related condition.
PURA-related severe neonatal hypotonia-seizures-encephalopathy syndrome (NEDRIHF). Also called: NEURODEVELOPMENTAL DISORDER WITH NEONATAL RESPIRATORY INSUFFICIENCY, HYPOTONIA, AND FEEDING DIFFICULTIES; PURA-Related Neurodevelopmental Disorders. Identifiers: Orphanet 438213, Orphanet 438216, MedGen C4015357, MONDO:1060108, OMIM 616158, MONDO:0018580.

Submissions (3):

PreventionGenetics, part of Exact Sciences
Classification: Pathogenic for PURA-related condition. Last evaluated: 2025-01-09. Review status: criteria provided, single submitter. Criteria: ACMG Guidelines, 2015. Collection method: clinical testing. Allele origin: germline.
Comment: The PURA c.159delG variant is predicted to result in a frameshift and premature protein termination (p.Leu54Cysfs*24). This variant has been reported to have arisen de novo in several individuals with neurodevelopmental disorder with neonatal respiratory insufficiency, hypotonia, and feeding difficulties (Supplementary Table 1, McRae et al. 2017. PubMed ID: 28135719; Lee et al. 2018. PubMed ID: 29150892; Reijnders et al. 2017. PubMed ID: 29097605). This variant has not been reported in a large population database (gnomAD) indicating this variant is rare. Frameshift variants in PURA are expected to be pathogenic. This variant is interpreted as pathogenic.

Institute of Human Genetics, University of Leipzig Medical Center
Classification: Pathogenic for PURA-related severe neonatal hypotonia-seizures-encephalopathy syndrome. Last evaluated: 2023-11-20. Review status: criteria provided, single submitter. Criteria: ACMG Guidelines, 2015. Collection method: clinical testing. Allele origin: unknown. Inheritance: Autosomal dominant inheritance. Affected: yes.
Comment: Criteria applied: PVS1,PS2,PS4_MOD,PM2_SUP

Blueprint Genetics
Classification: Pathogenic for PURA-related disorders. Last evaluated: 2019-06-28. Review status: criteria provided, single submitter. Criteria: ACMG Guidelines, 2015. Collection method: clinical testing. Allele origin: germline. Affected: yes. Observed: 1 variant allele.